The following is an entry in ClinVar:

NM_000642.3(AGL):c.440_441del (p.Leu147fs)

Gene: AGL (amylo-alpha-1,6-glucosidase and 4-alpha-glucanotransferase; plus strand). Cytogenetic location: 1p21.2.
Variant type: Deletion.
Coding change: c.440_441del on transcript NM_000642.3 (MANE Select); coding-DNA positions 440 to 441, 2 bases deleted (TT; older notation c.440_441delTT).
Protein change: p.Leu147fs; shifts the reading frame from leucine 147.
Molecular consequence: frameshift variant.
Genome position (GRCh38, 1-based): chr1:99,862,403-99,862,404, TT deleted. VCF-style (leftmost placement, unchanged base first): chr1-99862402-CTT-C. GRCh37 (hg19) VCF-style: chr1-100327958-CTT-C.
Other names: c.440_441delTT (NM_000642.2); c.440_441delTT, p.Leu147Glnfs (NM_000028.3, NM_000643.3, NM_000644.3 and 5 more transcripts); c.392_393delTT, p.Leu131Glnfs (NM_000646.3); short protein forms L147fs, L131fs.
Identifiers: ClinVar variation 2917432 (VCV002917432.4), dbSNP rs1298999791, ClinGen allele CA524878375.

ClinVar aggregate classification (germline): Pathogenic. Review status: criteria provided, multiple submitters, no conflicts (2 of 4 stars). 2 submissions from 2 submitters: Pathogenic (2). Last evaluated 2024-08-02.

Conditions:
Glycogen storage disease type III (GSD3). Also called: FORBES DISEASE; Cori disease. Identifiers: Orphanet 366, MedGen C0017922, MONDO:0009291, OMIM 232400.

Allele frequency attached by ClinVar (database versions not stated): gnomAD exomes below 0.00001.

Submissions (2):

Natera, Inc.
Classification: Pathogenic for Glycogen storage disease type III. Last evaluated: 2024-08-02. Review status: criteria provided, single submitter. Criteria: Natera Variant Classification Schema (03/2026). Collection method: clinical testing. Allele origin: germline.
Comment: The c.440_441delTT variant in AGL is a frameshift variant predicted to shift the reading frame beginning at codon 147 and leads to a stop codon 23 codons downstream. This variant is rare in the general population with a frequency below the threshold expected for the associated phenotype(s). This variant has been observed in one or more individuals affected with the associated recessive disease, as either homozygous or compound heterozygous with a second variant (PMID: 16705713, 26913919). Given the available evidence, this variant is classified as Pathogenic.

Labcorp Genetics (formerly Invitae), Labcorp
Classification: Pathogenic for Glycogen storage disease type III. Last evaluated: 2023-07-17. Review status: criteria provided, single submitter. Criteria: Invitae Variant Classification Sherloc (09022015). Collection method: clinical testing. Allele origin: germline.
Comment: This sequence change creates a premature translational stop signal (p.Leu147Glnfs*23) in the AGL gene. It is expected to result in an absent or disrupted protein product. Loss-of-function variants in AGL are known to be pathogenic (PMID: 19299494). This variant is present in population databases (no rsID available, gnomAD 0.0009%). This variant has not been reported in the literature in individuals affected with AGL-related conditions. For these reasons, this variant has been classified as Pathogenic.

Literature cited by the submitters: PubMed 16705713 (cited by Natera, Inc.); PubMed 26913919 (cited by Natera, Inc.); PubMed 19299494 (cited by Labcorp Genetics (formerly Invitae), Labcorp).